The following is an entry in ClinVar:

ClinVar aggregate classification (germline): Likely benign (1 of 4 stars; one submission).

Submission:

CeGaT Center for Human Genetics Tuebingen
Classification: Likely benign. Last evaluated: 2024-04-01. Review status: criteria provided, single submitter. Criteria: CeGaT Center For Human Genetics Tuebingen Variant Classification Criteria Version 2. Collection method: clinical testing. Allele origin: germline. Affected: yes. Observed: 1 variant allele.
Comment: CTNND2: BP4, BP7

NM_001332.4(CTNND2):c.786G>A (p.Pro262=)

Gene: CTNND2 (catenin delta 2; minus strand). Cytogenetic location: 5p15.2.
Variant type: single nucleotide variant.
Coding change: c.786G>A on transcript NM_001332.4 (MANE Select); coding-DNA position 786, G replaced by A.
Protein change: p.Pro262=; no amino-acid change (proline 262 retained).
Molecular consequence: synonymous variant. On other transcripts: intron variant (3).
Genome position (GRCh38, 1-based): chr5:11,385,056, C>T on the plus strand (G>A on the coding strand, the complement: CTNND2 is on the minus strand). VCF-style: chr5-11385056-C-T. GRCh37 (hg19) VCF-style: chr5-11385168-C-T.
Other names: c.513G>A, p.Pro171= (NM_001288715.1); c.-123+11975G>A (NM_001288717.2); c.167-20166G>A (NM_001364128.2, NM_001288716.1).
Identifiers: ClinVar variation 3234423 (VCV003234423.20), dbSNP rs1196465428, ClinGen allele CA443541795.
Genomic context (GRCh38, chr5:11,385,056, plus strand): 5'-GCGCTGCAGCTTGGTGGGCGAACCGCCCTGGGGCGCGGCCAGCGGGGAGCCCCCGCGCGG[C>T]GGCGCGGGCAGCGTGGAGCTGGAGTAGTAGAGCGCGGCGGCGGCGGCGGCGGGCGGCGCG-3'
Protein context (NP_001323.1, residues 252-272): LYYSSSTLPA[Pro262=]PRGGSPLAAP